The following is an entry in ClinVar:

ClinVar aggregate classification (germline): Likely benign (1 of 4 stars; one submission).

Submission:

CeGaT Center for Human Genetics Tuebingen
Classification: Likely benign. Last evaluated: 2026-05-01. Review status: criteria provided, single submitter. Criteria: CeGaT Center For Human Genetics Tuebingen Variant Classification Criteria Version 2. Collection method: clinical testing. Allele origin: germline. Affected: yes. Observed: 1 variant allele.
Comment: ZNF280B: PM2:Supporting, BP4, BP7

NM_080764.4(ZNF280B):c.1533G>A (p.Gln511=)

Genes: IGL (immunoglobulin lambda locus; plus strand), ZNF280B (zinc finger protein 280B; minus strand). Cytogenetic location: 22q11.22.
Variant type: single nucleotide variant.
Coding change: c.1533G>A on transcript NM_080764.4 (MANE Select); coding-DNA position 1533, G replaced by A.
Protein change: p.Gln511=; no amino-acid change (glutamine 511 retained).
Molecular consequence: synonymous variant. On other transcripts: non-coding transcript variant (1).
Genome position (GRCh38, 1-based): chr22:22,487,866, C>T on the plus strand (G>A on the coding strand, the complement: ZNF280B is on the minus strand). VCF-style: chr22-22487866-C-T. GRCh37 (hg19) VCF-style: chr22-22842191-C-T.
Identifiers: ClinVar variation 4873136 (VCV004873136.2).
Genomic context (GRCh38, chr22:22,487,866, plus strand): 5'-GAGTGATGGTTCAGAGTCAGATGTGCTCACAGTTATGGATGCTACATCCACTGATCCTGG[C>T]TGAAGAGGTTCCAGCGACACTTGAATAGTAACTTTTGTTTCAGGAGGTAATCCTTCTAGT-3'
Protein context (NP_542942.2, residues 501-521): VTIQVSLEPL[Gln511=]PGSVDVASIT